The following is an entry in ClinVar:

ClinVar aggregate classification (germline): Conflicting classifications of pathogenicity. Review status: criteria provided, conflicting classifications (1 of 4 stars). 3 submissions from 3 submitters: Uncertain significance (2); Likely benign (1). Last evaluated 2025-10-07.

Conditions:
Hereditary cancer-predisposing syndrome. Also called: Neoplastic Syndromes, Hereditary; Tumor predisposition; Hereditary Cancer Syndrome; Hereditary neoplastic syndrome. Identifiers: Orphanet 140162, MedGen C0027672, MeSH D009386, MONDO:0015356.
Neuroblastoma, susceptibility to, 3. Also called: ALK-Related Neuroblastic Tumor Susceptibility. Identifiers: Orphanet 635, MedGen C2751681, MONDO:0013083, OMIM 613014.

Allele frequency attached by ClinVar (database versions not stated): TOPMed 0.00001.
gnomAD v4.1: 1 of 1,614,252 alleles (0.000062%); highest among the groups gnomAD compares: Non-Finnish European, 0.000085%; no homozygotes.

Submissions (3):

Labcorp Genetics (formerly Invitae), Labcorp
Classification: Uncertain significance for Neuroblastoma, susceptibility to, 3. Last evaluated: 2025-10-07. Review status: criteria provided, single submitter. Criteria: Invitae Variant Classification Sherloc (09022015). Collection method: clinical testing. Allele origin: germline.
Comment: This sequence change replaces glycine, which is neutral and non-polar, with arginine, which is basic and polar, at codon 850 of the ALK protein (p.Gly850Arg). This variant is not present in population databases (gnomAD no frequency). This variant has not been reported in the literature in individuals affected with ALK-related conditions. ClinVar contains an entry for this variant (Variation ID: 566505). An algorithm developed to predict the effect of missense changes on protein structure and function (PolyPhen-2) suggests that this variant is likely to be tolerated. In summary, the available evidence is currently insufficient to determine the role of this variant in disease. Therefore, it has been classified as a Variant of Uncertain Significance.

Ambry Genetics
Classification: Likely benign for Hereditary cancer-predisposing syndrome. Last evaluated: 2025-01-03. Review status: criteria provided, single submitter. Criteria: Ambry Variant Classification Scheme 2023. Collection method: clinical testing. Allele origin: germline.

Baylor Genetics
Classification: Uncertain significance for Neuroblastoma, susceptibility to, 3. Last evaluated: 2023-10-29. Review status: criteria provided, single submitter. Criteria: ACMG Guidelines, 2015. Collection method: clinical testing. Allele origin: unknown.

NM_004304.5(ALK):c.2548G>C (p.Gly850Arg)

Gene: ALK (ALK receptor tyrosine kinase; minus strand). Cytogenetic location: 2p23.2.
Variant type: single nucleotide variant.
Coding change: c.2548G>C on transcript NM_004304.5 (MANE Select); coding-DNA position 2548, G replaced by C.
Protein change: p.Gly850Arg; replaces glycine 850 with arginine.
Molecular consequence: missense variant.
Genome position (GRCh38, 1-based): chr2:29,232,388, C>G on the plus strand (G>C on the coding strand, the complement: ALK is on the minus strand). VCF-style: chr2-29232388-C-G. GRCh37 (hg19) VCF-style: chr2-29455254-C-G.
Other names: short protein forms G850R.
Identifiers: ClinVar variation 566505 (VCV000566505.8), dbSNP rs200563480, ClinGen allele CA44638296.